The following is an entry in ClinVar:

NC_000023.10:g.(?_32398607)_(32867957_?)del

Gene: DMD (dystrophin; minus strand). Cytogenetic location: Xp21.1.
Variant type: Deletion.
Identifiers: ClinVar variation 1356200 (VCV001356200.7).

ClinVar aggregate classification (germline): Pathogenic (1 of 4 stars; one submission).

Conditions:
Duchenne muscular dystrophy (DMD). Also called: MUSCULAR DYSTROPHY, PSEUDOHYPERTROPHIC PROGRESSIVE, DUCHENNE TYPE; Duchenne Muscular Dystrophy (DMD). Identifiers: Orphanet 98896, MedGen C0013264, MONDO:0010679, OMIM 310200.

Submission:

Labcorp Genetics (formerly Invitae), Labcorp
Classification: Pathogenic for Duchenne muscular dystrophy. Last evaluated: 2021-03-23. Review status: criteria provided, single submitter. Criteria: Invitae Variant Classification Sherloc (09022015). Collection method: clinical testing. Allele origin: germline.
Comment: For these reasons, this variant has been classified as Pathogenic. The region of the DMD gene that includes exon(s) 3-12 has been determined to be clinically significant (PMID: 19937601, 25482253, 31705731, Invitae). Therefore, deletions that encompass that region are likely to disrupt protein function and cause disease. A similar copy number variant has been observed in individual(s) with Duchenne or Becker muscular dystrophy (PMID: 9800909, 18403565, 24928015, 31139960). This variant is a gross deletion of the genomic region encompassing exon(s) 3-34 of the DMD gene. This variant would be expected to be in-frame, preserving the integrity of the reading frame.

Literature cited by the submitters: PubMed 19937601; PubMed 25482253; PubMed 31705731; PubMed 9800909; PubMed 18403565; PubMed 24928015; PubMed 31139960.